The following is an entry in ClinVar:

NM_024301.5(FKRP):c.1279A>G (p.Met427Val)

Gene: FKRP (fukutin related protein; plus strand). Cytogenetic location: 19q13.32.
Variant type: single nucleotide variant.
Coding change: c.1279A>G on transcript NM_024301.5 (MANE Select); coding-DNA position 1279, A replaced by G.
Protein change: p.Met427Val; replaces methionine 427 with valine.
Molecular consequence: missense variant.
Genome position (GRCh38, 1-based): chr19:46,756,729, A>G. VCF-style: chr19-46756729-A-G. GRCh37 (hg19) VCF-style: chr19-47259986-A-G.
Other names: c.1279A>G, p.Met427Val (NM_001039885.3); short protein forms M427V.
Identifiers: ClinVar variation 4025261 (VCV004025261.2).

ClinVar aggregate classification (germline): Uncertain significance (1 of 4 stars; one submission).

Conditions:
Cardiovascular phenotype. Identifiers: MedGen CN230736.

Submission:

Ambry Genetics
Classification: Uncertain significance for Cardiovascular phenotype. Last evaluated: 2025-07-07. Review status: criteria provided, single submitter. Criteria: Ambry Variant Classification Scheme 2023. Collection method: clinical testing. Allele origin: germline.
Comment: The c.1279A>G (p.M427V) alteration is located in exon 4 (coding exon 1) of the FKRP gene. This alteration results from a A to G substitution at nucleotide position 1279, causing the methionine (M) at amino acid position 427 to be replaced by a valine (V). This variant was not reported in population-based cohorts in the Genome Aggregation Database (gnomAD). This amino acid position is highly conserved in available vertebrate species. This alteration is predicted to be deleterious by in silico analysis. Based on insufficient or conflicting evidence, the clinical significance of this alteration remains unclear.